The following is an entry in ClinVar:

ClinVar aggregate classification (germline): Likely benign. Review status: criteria provided, multiple submitters, no conflicts (2 of 4 stars). 2 submissions from 2 submitters: Likely benign (2). Last evaluated 2025-08-31.

Conditions:
Progressive myoclonic epilepsy type 3. Also called: KCTD7-Related Progressive Myoclonic Epilepsy; EPILEPSY, PROGRESSIVE MYOCLONIC, 3, WITH OR WITHOUT INTRACELLULAR INCLUSIONS; CEROID LIPOFUSCINOSIS, NEURONAL, 14; EPILEPSY, PROGRESSIVE MYOCLONIC, 3, WITHOUT INTRACELLULAR INCLUSIONS. Identifiers: Orphanet 263516, MedGen C2673257, MONDO:0012721, OMIM 611726.

Allele frequency attached by ClinVar (database versions not stated): gnomAD 0.00001 and 0.00003; gnomAD exomes 0.00001; TOPMed 0.00002; 1000 Genomes Project 30x 0.00031.
gnomAD v4.1: 15 of 1,327,478 alleles (0.0011%); highest among the groups gnomAD compares: Non-Finnish European, 0.0013%; no homozygotes.

Submissions (2):

Labcorp Genetics (formerly Invitae), Labcorp
Classification: Likely benign for Progressive myoclonic epilepsy type 3. Last evaluated: 2025-08-31. Review status: criteria provided, single submitter. Criteria: Invitae Variant Classification Sherloc (09022015). Collection method: clinical testing. Allele origin: germline.

GeneDx
Classification: Likely benign. Last evaluated: 2018-05-29. Review status: criteria provided, single submitter. Criteria: GeneDx Variant Classification (06012015). Collection method: clinical testing. Allele origin: germline. Affected: yes.
Comment: This variant is considered likely benign or benign based on one or more of the following criteria: it is a conservative change, it occurs at a poorly conserved position in the protein, it is predicted to be benign by multiple in silico algorithms, and/or has population frequency not consistent with disease.

NM_153033.5(KCTD7):c.144+19G>A

Genes: KCTD7 (potassium channel tetramerization domain containing 7; plus strand), LOC129998533 (ATAC-STARR-seq lymphoblastoid silent region 18210; plus strand). Cytogenetic location: 7q11.21.
Variant type: single nucleotide variant.
Coding change: c.144+19G>A on transcript NM_153033.5 (MANE Select); 19 bases into the intron after coding-DNA position 144, G replaced by A.
Molecular consequence: intron variant.
Genome position (GRCh38, 1-based): chr7:66,629,227, G>A. VCF-style: chr7-66629227-G-A. GRCh37 (hg19) VCF-style: chr7-66094214-G-A.
Other names: c.144+19G>A (NM_001167961.2).
Identifiers: ClinVar variation 668683 (VCV000668683.6), dbSNP rs998736066, ClinGen allele CA160219206.